The following is an entry in ClinVar:

ClinVar aggregate classification (germline): Uncertain significance. Review status: criteria provided, multiple submitters, no conflicts (2 of 4 stars). 2 submissions from 2 submitters: Uncertain significance (2). Last evaluated 2025-02-05.

Conditions:
Inborn genetic diseases. Identifiers: MedGen C0950123, MeSH D030342.
Asphyxiating thoracic dystrophy 5 (SRTD5). Also called: SHORT-RIB THORACIC DYSPLASIA 5 WITH OR WITHOUT POLYDACTYLY; SHORT-RIB THORACIC DYSPLASIA 5 WITHOUT POLYDACTYLY. Identifiers: Orphanet 474, MedGen C3280598, MONDO:0013717, OMIM 614376.
Senior-Loken syndrome 8 (SLSN8). Identifiers: Orphanet 3156, MedGen C4225376, MONDO:0014579, OMIM 616307.

Allele frequency attached by ClinVar (database versions not stated): gnomAD exomes below 0.00001; gnomAD 0.00002; TOPMed 0.00005.
gnomAD v4.1: 6 of 1,612,670 alleles (0.00037%); highest among the groups gnomAD compares: African/African-American, 0.0067%; no homozygotes.

Submissions (2):

Ambry Genetics
Classification: Uncertain significance for Inborn genetic diseases. Last evaluated: 2025-02-05. Review status: criteria provided, single submitter. Criteria: Ambry Variant Classification Scheme 2023. Collection method: clinical testing. Allele origin: germline.

Labcorp Genetics (formerly Invitae), Labcorp
Classification: Uncertain significance for Senior-Loken syndrome 8; Asphyxiating thoracic dystrophy 5. Last evaluated: 2024-10-29. Review status: criteria provided, single submitter. Criteria: Invitae Variant Classification Sherloc (09022015). Collection method: clinical testing. Allele origin: germline.
Comment: This sequence change replaces glutamic acid, which is acidic and polar, with glycine, which is neutral and non-polar, at codon 982 of the WDR19 protein (p.Glu982Gly). This variant is not present in population databases (gnomAD no frequency). This variant has not been reported in the literature in individuals affected with WDR19-related conditions. ClinVar contains an entry for this variant (Variation ID: 842194). Invitae Evidence Modeling of protein sequence and biophysical properties (such as structural, functional, and spatial information, amino acid conservation, physicochemical variation, residue mobility, and thermodynamic stability) has been performed for this missense variant. However, the output from this modeling did not meet the statistical confidence thresholds required to predict the impact of this variant on WDR19 protein function. In summary, the available evidence is currently insufficient to determine the role of this variant in disease. Therefore, it has been classified as a Variant of Uncertain Significance.

NM_025132.4(WDR19):c.2945A>G (p.Glu982Gly)

Gene: WDR19 (WD repeat domain 19; plus strand). Cytogenetic location: 4p14.
Variant type: single nucleotide variant.
Coding change: c.2945A>G on transcript NM_025132.4 (MANE Select); coding-DNA position 2945, A replaced by G.
Protein change: p.Glu982Gly; replaces glutamic acid 982 with glycine.
Molecular consequence: missense variant.
Genome position (GRCh38, 1-based): chr4:39,253,974, A>G. VCF-style: chr4-39253974-A-G. GRCh37 (hg19) VCF-style: chr4-39255594-A-G.
Other names: c.2465A>G, p.Glu822Gly (NM_001317924.2); short protein forms E822G, E982G.
Identifiers: ClinVar variation 842194 (VCV000842194.8), dbSNP rs923164828, ClinGen allele CA95692289.